The following is an entry in ClinVar:

ClinVar aggregate classification (germline): Uncertain significance (1 of 4 stars; one submission).

Conditions:
Ehlers-Danlos syndrome, type 4 (EDSVASC). Also called: Ehlers-Danlos Syndrome Type IV; Ehlers-Danlos syndrome vascular type; Ehlers Danlos syndrome, ecchymotic type; Ehlers Danlos syndrome, arterial type; Ehlers Danlos syndrome, Sack-Barabas type. Identifiers: Orphanet 286, MedGen C0268338, MONDO:0017314, OMIM 130050.

Allele frequency attached by ClinVar (database versions not stated): gnomAD exomes below 0.00001.
gnomAD v4.1: 1 of 1,614,104 alleles (0.000062%); highest among the groups gnomAD compares: Non-Finnish European, 0.000085%; no homozygotes.

Submission:

All of Us Research Program, National Institutes of Health
Classification: Uncertain significance for Ehlers-Danlos syndrome, type 4. Last evaluated: 2023-06-26. Review status: criteria provided, single submitter. Criteria: ACMG Guidelines, 2015. Collection method: clinical testing. Allele origin: germline. Inheritance: Autosomal dominant inheritance. Observed: 1 variant allele, 1 heterozygote.
Comment: This missense variant replaces proline with threonine at codon 1016 of the COL3A1 protein. Computational prediction is inconclusive regarding the impact of this variant on protein structure and function (internally defined REVEL score threshold 0.5 < inconclusive < 0.7, PMID: 27666373). To our knowledge, functional studies have not been reported for this variant. This variant has not been reported in individuals affected with COL3A1-related disorders in the literature. This variant has been identified in 1/251370 chromosomes in the general population by the Genome Aggregation Database (gnomAD). The available evidence is insufficient to determine the role of this variant in disease conclusively. Therefore, this variant is classified as a Variant of Uncertain Significance.

This study involves interpretation of variants in research participants for the purpose of population health screening. Participant phenotype was not available at the time of variant classification. Additional details can be found in publication PMID: 35346344, PMCID: PMC8962531

NM_000090.4(COL3A1):c.3046C>A (p.Pro1016Thr)

Gene: COL3A1 (collagen type III alpha 1 chain; plus strand). Cytogenetic location: 2q32.2.
Variant type: single nucleotide variant.
Coding change: c.3046C>A on transcript NM_000090.4 (MANE Select); coding-DNA position 3046, C replaced by A.
Protein change: p.Pro1016Thr; replaces proline 1016 with threonine.
Molecular consequence: missense variant.
Genome position (GRCh38, 1-based): chr2:189,006,212, C>A. VCF-style: chr2-189006212-C-A. GRCh37 (hg19) VCF-style: chr2-189870938-C-A.
Other names: short protein forms P1016T.
Identifiers: ClinVar variation 3072264 (VCV003072264.1), dbSNP rs1360401860, ClinGen allele CA349844901.